The following is an entry in ClinVar:

ClinVar aggregate classification (germline): Uncertain significance (1 of 4 stars; one submission).

Conditions:
Primary ciliary dyskinesia. Also called: Ciliary dyskinesia. Identifiers: Orphanet 244, MedGen C0008780, MONDO:0016575, HP:0012265.

Allele frequency attached by ClinVar (database versions not stated): ExAC 0.00001; gnomAD 0.00001.
gnomAD v4.1: 33 of 1,613,970 alleles (0.002%); highest among the groups gnomAD compares: Non-Finnish European, 0.0025%; no homozygotes.

Submission:

Labcorp Genetics (formerly Invitae), Labcorp
Classification: Uncertain significance for Primary ciliary dyskinesia. Last evaluated: 2025-09-22. Review status: criteria provided, single submitter. Criteria: Invitae Variant Classification Sherloc (09022015). Collection method: clinical testing. Allele origin: germline.
Comment: This sequence change replaces arginine, which is basic and polar, with histidine, which is basic and polar, at codon 1312 of the DNAH5 protein (p.Arg1312His). This variant is present in population databases (rs759615079, gnomAD 0.002%). This variant has not been reported in the literature in individuals affected with DNAH5-related conditions. ClinVar contains an entry for this variant (Variation ID: 2196761). Invitae Evidence Modeling of protein sequence and biophysical properties (such as structural, functional, and spatial information, amino acid conservation, physicochemical variation, residue mobility, and thermodynamic stability) indicates that this missense variant is not expected to disrupt DNAH5 protein function with a negative predictive value of 95%. In summary, the available evidence is currently insufficient to determine the role of this variant in disease. Therefore, it has been classified as a Variant of Uncertain Significance.

NM_001369.3(DNAH5):c.3935G>A (p.Arg1312His)

Genes: DNAH5 (dynein axonemal heavy chain 5; minus strand), DNAH5-AS1 (DNAH5 antisense RNA 1; plus strand). Cytogenetic location: 5p15.2.
Variant type: single nucleotide variant.
Coding change: c.3935G>A on transcript NM_001369.3 (MANE Select); coding-DNA position 3935, G replaced by A.
Protein change: p.Arg1312His; replaces arginine 1312 with histidine.
Molecular consequence: missense variant.
Genome position (GRCh38, 1-based): chr5:13,867,892, C>T on the plus strand (G>A on the coding strand, the complement: DNAH5 is on the minus strand). VCF-style: chr5-13867892-C-T. GRCh37 (hg19) VCF-style: chr5-13868001-C-T.
Other names: short protein forms R1312H.
Identifiers: ClinVar variation 2196761 (VCV002196761.2), dbSNP rs759615079, ClinGen allele CA3204131.